The following is an entry in ClinVar:

NM_198578.4(LRRK2):c.2200G>A (p.Asp734Asn)

Gene: LRRK2 (leucine rich repeat kinase 2; plus strand). Cytogenetic location: 12q12.
Variant type: single nucleotide variant.
Coding change: c.2200G>A on transcript NM_198578.4 (MANE Select); coding-DNA position 2200, G replaced by A.
Protein change: p.Asp734Asn; replaces aspartic acid 734 with asparagine.
Molecular consequence: missense variant.
Genome position (GRCh38, 1-based): chr12:40,278,220, G>A. VCF-style: chr12-40278220-G-A. GRCh37 (hg19) VCF-style: chr12-40672022-G-A.
Other names: short protein forms D734N.
Identifiers: ClinVar variation 1506447 (VCV001506447.6), dbSNP rs771754289, ClinGen allele CA6513576.

ClinVar aggregate classification (germline): Uncertain significance (1 of 4 stars; one submission).

Conditions:
Autosomal dominant Parkinson disease 8. Also called: LRRK2-Related Parkinson Disease; Parkinson disease 8; Parkinson disease 8, susceptibility to. Identifiers: Orphanet 411602, MedGen C1846862, MONDO:0011764, OMIM 607060.

Allele frequency attached by ClinVar (database versions not stated): ExAC 0.00001; gnomAD exomes 0.00001; gnomAD 0.00008 and 0.00009; TOPMed 0.00017.

Submission:

Labcorp Genetics (formerly Invitae), Labcorp
Classification: Uncertain significance for Autosomal dominant Parkinson disease 8. Last evaluated: 2025-12-02. Review status: criteria provided, single submitter. Criteria: Invitae Variant Classification Sherloc (09022015). Collection method: clinical testing. Allele origin: germline.
Comment: This sequence change replaces aspartic acid, which is acidic and polar, with asparagine, which is neutral and polar, at codon 734 of the LRRK2 protein (p.Asp734Asn). This variant is present in population databases (rs771754289, gnomAD 0.003%). This missense change has been observed in individual(s) with Parkinson disease (PMID: 33281709). ClinVar contains an entry for this variant (Variation ID: 1506447). Invitae Evidence Modeling of protein sequence and biophysical properties (such as structural, functional, and spatial information, amino acid conservation, physicochemical variation, residue mobility, and thermodynamic stability) has been performed for this missense variant. However, the output from this modeling did not meet the statistical confidence thresholds required to predict the impact of this variant on LRRK2 protein function. In summary, the available evidence is currently insufficient to determine the role of this variant in disease. Therefore, it has been classified as a Variant of Uncertain Significance.

Literature cited by the submitters: PubMed 33281709.